The following is an entry in ClinVar:

ClinVar aggregate classification (germline): Pathogenic (1 of 4 stars; one submission).

Conditions:
Familial adenomatous polyposis 4 (FAP4). Also called: MSH3-related attenuated familial adenomatous polyposis. Identifiers: Orphanet 480536, MedGen C4310719, MONDO:0044300, OMIM 617100.

Submission:

Myriad Genetics, Inc.
Classification: Pathogenic for Familial adenomatous polyposis 4. Last evaluated: 2023-08-31. Review status: criteria provided, single submitter. Criteria: Myriad Autosomal Dominant, Autosomal Recessive and X-Linked Classification Criteria (2023). Collection method: clinical testing. Allele origin: unknown.
Comment: This variant is considered pathogenic. This variant creates a frameshift predicted to result in premature protein truncation.

NM_002439.5(MSH3):c.2830_2831dup (p.Asn944fs)

Gene: MSH3 (mutS homolog 3; plus strand). Cytogenetic location: 5q14.1.
Variant type: Duplication.
Coding change: c.2830_2831dup on transcript NM_002439.5 (MANE Select); coding-DNA positions 2830 to 2831, 2 bases duplicated (AA; older notation c.2830_2831dupAA).
Protein change: p.Asn944fs; shifts the reading frame from asparagine 944.
Molecular consequence: frameshift variant.
Genome position (GRCh38, 1-based): chr5:80,854,146-80,854,147, AA duplicated. VCF-style (leftmost placement, unchanged base first): chr5-80854145-C-CAA. GRCh37 (hg19) VCF-style: chr5-80149964-C-CAA.
Other names: short protein forms N944fs.
Identifiers: ClinVar variation 2673520 (VCV002673520.1), dbSNP rs2478771441, ClinGen allele CA2695198705.